The following is an entry in ClinVar:

NM_203447.4(DOCK8):c.5818-8A>G

Gene: DOCK8 (dedicator of cytokinesis 8; plus strand). Cytogenetic location: 9p24.3.
Variant type: single nucleotide variant.
Coding change: c.5818-8A>G on transcript NM_203447.4 (MANE Select); 8 bases into the intron before coding-DNA position 5818, A replaced by G.
Molecular consequence: intron variant.
Genome position (GRCh38, 1-based): chr9:449,776, A>G. VCF-style: chr9-449776-A-G. GRCh37 (hg19) VCF-style: chr9-449776-A-G.
Other names: c.5614-8A>G (NM_001193536.2); c.5518-8A>G (NM_001190458.2).
Identifiers: ClinVar variation 2101994 (VCV002101994.4), dbSNP rs747706247, ClinGen allele CA4959564.
Genomic context (GRCh38, chr9:449,776, plus strand): 5'-AGCTCCAGGCTTGTCCATAGCTTATGAGACCAGACAGTGACTTCCCTATGTTTACGTCTC[A>G]TGTTCAGTTTGTTTTGACACCGATTGAAGTTGCCATTGAAGACATGAAGAAGAAGACCCT-3'

ClinVar aggregate classification (germline): Uncertain significance (1 of 4 stars; one submission).

Conditions:
Combined immunodeficiency due to DOCK8 deficiency (HIES2). Also called: HIES autosomal recessive; Hyper-IgE recurrent infection syndrome, autosomal recessive; HYPER-IgE RECURRENT INFECTION SYNDROME 2, AUTOSOMAL RECESSIVE; HYPER-IgE SYNDROME 2, AUTOSOMAL RECESSIVE, WITH RECURRENT INFECTIONS; DOCK8 Deficiency. Identifiers: Orphanet 217390, MedGen C4722305, MONDO:0009478, OMIM 243700.

gnomAD v4.1: 9 of 1,612,428 alleles (0.00056%); highest among the groups gnomAD compares: Non-Finnish European, 0.00017%; no homozygotes.

Submission:

Labcorp Genetics (formerly Invitae), Labcorp
Classification: Uncertain significance for Combined immunodeficiency due to DOCK8 deficiency. Last evaluated: 2022-03-14. Review status: criteria provided, single submitter. Criteria: Invitae Variant Classification Sherloc (09022015). Collection method: clinical testing. Allele origin: germline.
Comment: In summary, the available evidence is currently insufficient to determine the role of this variant in disease. Therefore, it has been classified as a Variant of Uncertain Significance. Algorithms developed to predict the effect of sequence changes on RNA splicing suggest that this variant may disrupt the consensus splice site. This variant has not been reported in the literature in individuals affected with DOCK8-related conditions. This variant is present in population databases (rs747706247, gnomAD 0.004%). This sequence change falls in intron 44 of the DOCK8 gene. It does not directly change the encoded amino acid sequence of the DOCK8 protein.